The following is an entry in ClinVar:

ClinVar aggregate classification (germline): Uncertain significance (1 of 4 stars; one submission).

Conditions:
Familial thoracic aortic aneurysm and aortic dissection (TAAD). Also called: Thoracic aortic aneurysms and dissections. Identifiers: Orphanet 91387, MedGen C4707243, MONDO:0019625.

Submission:

Ambry Genetics
Classification: Uncertain significance for Familial thoracic aortic aneurysm and aortic dissection. Last evaluated: 2022-11-20. Review status: criteria provided, single submitter. Criteria: Ambry Variant Classification Scheme 2023. Collection method: clinical testing. Allele origin: germline.
Comment: The p.W754C variant (also known as c.2262G>C), located in coding exon 13 of the MYLK gene, results from a G to C substitution at nucleotide position 2262. The tryptophan at codon 754 is replaced by cysteine, an amino acid with highly dissimilar properties. This amino acid position is conserved. In addition, this alteration is predicted to be deleterious by in silico analysis. Since supporting evidence is limited at this time, the clinical significance of this alteration remains unclear.

NM_053025.4(MYLK):c.2262G>C (p.Trp754Cys)

Gene: MYLK (myosin light chain kinase; minus strand). Cytogenetic location: 3q21.1.
Variant type: single nucleotide variant.
Coding change: c.2262G>C on transcript NM_053025.4 (MANE Select); coding-DNA position 2262, G replaced by C.
Protein change: p.Trp754Cys; replaces tryptophan 754 with cysteine.
Molecular consequence: missense variant.
Genome position (GRCh38, 1-based): chr3:123,707,882, C>G on the plus strand (G>C on the coding strand, the complement: MYLK is on the minus strand). VCF-style: chr3-123707882-C-G. GRCh37 (hg19) VCF-style: chr3-123426729-C-G.
Other names: c.1734G>C, p.Trp578Cys (NM_001321309.2); c.2055G>C, p.Trp685Cys (NM_053026.4, NM_053028.4); c.2262G>C, p.Trp754Cys (NM_053027.4); short protein forms W685C, W754C, W578C.
Identifiers: ClinVar variation 2452950 (VCV002452950.2), dbSNP rs2474288152, ClinGen allele CA354233930.